The following is an entry in ClinVar:

NM_006206.6(PDGFRA):c.266G>T (p.Ser89Ile)

Gene: PDGFRA (platelet derived growth factor receptor alpha; plus strand). Cytogenetic location: 4q12.
Variant type: single nucleotide variant.
Coding change: c.266G>T on transcript NM_006206.6 (MANE Select); coding-DNA position 266, G replaced by T.
Protein change: p.Ser89Ile; replaces serine 89 with isoleucine.
Molecular consequence: missense variant.
Genome position (GRCh38, 1-based): chr4:54,261,311, G>T. VCF-style: chr4-54261311-G-T. GRCh37 (hg19) VCF-style: chr4-55127478-G-T.
Other names: c.305G>T, p.Ser102Ile (NM_001347830.2); c.266G>T, p.Ser89Ile (NM_001347827.2, NM_001347829.2); c.341G>T, p.Ser114Ile (NM_001347828.2); short protein forms S89I, S114I, S102I.
Identifiers: ClinVar variation 3305468 (VCV003305468.2).

ClinVar aggregate classification (germline): Uncertain significance. Review status: criteria provided, multiple submitters, no conflicts (2 of 4 stars). 2 submissions from 2 submitters: Uncertain significance (2). Last evaluated 2025-05-21.

Conditions:
Hereditary cancer-predisposing syndrome. Also called: Tumor predisposition; Hereditary Cancer Syndrome; Hereditary neoplastic syndrome; Neoplastic Syndromes, Hereditary. Identifiers: Orphanet 140162, MedGen C0027672, MeSH D009386, MONDO:0015356.

Submissions (2):

GeneDx
Classification: Uncertain significance. Last evaluated: 2025-05-21. Review status: criteria provided, single submitter. Criteria: GeneDx Variant Classification Process June 2021. Collection method: clinical testing. Allele origin: germline. Affected: yes.
Comment: Not observed at significant frequency in large population cohorts (gnomAD); In silico analysis supports that this missense variant has a deleterious effect on protein structure/function; Has not been previously published as pathogenic or benign to our knowledge

Ambry Genetics
Classification: Uncertain significance for Hereditary cancer-predisposing syndrome. Last evaluated: 2024-04-06. Review status: criteria provided, single submitter. Criteria: Ambry Variant Classification Scheme 2023. Collection method: clinical testing. Allele origin: germline.
Comment: The p.S89I variant (also known as c.266G>T), located in coding exon 2 of the PDGFRA gene, results from a G to T substitution at nucleotide position 266. The serine at codon 89 is replaced by isoleucine, an amino acid with dissimilar properties. This amino acid position is conserved. In addition, this alteration is predicted to be tolerated by in silico analysis. Based on the available evidence, the clinical significance of this variant remains unclear.